The following is an entry in ClinVar:

ClinVar aggregate classification (germline): Uncertain significance (1 of 4 stars; one submission).

Conditions:
Symmetrical dyschromatosis of extremities (DSH). Also called: DYSCHROMATOSIS SYMMETRICA HEREDITARIA 1; RETICULATE ACROPIGMENTATION OF DOHI; SYMMETRIC DYSCHROMATOSIS OF THE EXTREMITIES; Dyschromatosis symmetrica hereditaria. Identifiers: Orphanet 41, MedGen C0406775, MONDO:0007483, OMIM 127400.
Aicardi-Goutieres syndrome 6 (AGS6). Identifiers: Orphanet 51, MedGen C3539013, MONDO:0014007, OMIM 615010.

gnomAD v4.1: 2 of 1,614,160 alleles (0.00012%); highest among the groups gnomAD compares: South Asian, 0.0022%; no homozygotes.

Submission:

Labcorp Genetics (formerly Invitae), Labcorp
Classification: Uncertain significance for Aicardi-Goutieres syndrome 6; Symmetrical dyschromatosis of extremities. Last evaluated: 2024-06-28. Review status: criteria provided, single submitter. Criteria: Invitae Variant Classification Sherloc (09022015). Collection method: clinical testing. Allele origin: germline.
Comment: This sequence change replaces proline, which is neutral and non-polar, with histidine, which is basic and polar, at codon 658 of the ADAR protein (p.Pro658His). This variant is present in population databases (no rsID available, gnomAD 0.003%). This variant has not been reported in the literature in individuals affected with ADAR-related conditions. Advanced modeling of protein sequence and biophysical properties (such as structural, functional, and spatial information, amino acid conservation, physicochemical variation, residue mobility, and thermodynamic stability) performed at Invitae indicates that this missense variant is not expected to disrupt ADAR protein function with a negative predictive value of 80%. In summary, the available evidence is currently insufficient to determine the role of this variant in disease. Therefore, it has been classified as a Variant of Uncertain Significance.

NM_001111.5(ADAR):c.1973C>A (p.Pro658His)

Gene: ADAR (adenosine deaminase RNA specific; minus strand). Cytogenetic location: 1q21.3.
Variant type: single nucleotide variant.
Coding change: c.1973C>A on transcript NM_001111.5 (MANE Select); coding-DNA position 1973, C replaced by A.
Protein change: p.Pro658His; replaces proline 658 with histidine.
Molecular consequence: missense variant.
Genome position (GRCh38, 1-based): chr1:154,597,229, G>T on the plus strand (C>A on the coding strand, the complement: ADAR is on the minus strand). VCF-style: chr1-154597229-G-T. GRCh37 (hg19) VCF-style: chr1-154569705-G-T.
Other names: c.1088C>A, p.Pro363His (NM_001025107.3, NM_001193495.2, NM_001365046.1 and 3 more transcripts); c.2000C>A, p.Pro667His (NM_001365045.1); c.1973C>A, p.Pro658His (NM_015840.4, NM_015841.4); short protein forms P363H, P658H, P667H.
Identifiers: ClinVar variation 3757038 (VCV003757038.2).
Genomic context (GRCh38, chr1:154,597,229, plus strand): 5'-TTCATGGCTTCCTCTGCGGCCATCTGCTTTGCCACTTTCTTGCTGGGAGCACTCACACTG[G>T]GGAAAGTTTGGGCTCCCACTGCAACACAGTATTGGAACCTGACAGGAGATGAAGCACGTA-3'
Protein context (NP_001102.3, residues 648-668): YCVAVGAQTF[Pro658His]SVSAPSKKVA